The following is an entry in ClinVar:

ClinVar aggregate classification (germline): Pathogenic (1 of 4 stars; one submission).

Conditions:
Primary ciliary dyskinesia. Also called: Ciliary dyskinesia. Identifiers: Orphanet 244, MedGen C0008780, MONDO:0016575, HP:0012265.

Submission:

Labcorp Genetics (formerly Invitae), Labcorp
Classification: Pathogenic for Primary ciliary dyskinesia. Last evaluated: 2020-02-17. Review status: criteria provided, single submitter. Criteria: Invitae Variant Classification Sherloc (09022015). Collection method: clinical testing. Allele origin: germline.
Comment: For these reasons, this variant has been classified as Pathogenic. Loss-of-function variants in DNAI2 are known to be pathogenic (PMID: 18950741). This variant has not been reported in the literature in individuals with DNAI2-related conditions. This variant is an out-of-frame deletion of the genomic region encompassing exon 4 of the DNAI2 gene. This is expected to create a premature translational stop signal and result in an absent or disrupted protein product.

Literature cited by the submitters: PubMed 18950741.

NC_000017.10:g.(?_72283106)_(72283247_?)del

Gene: DNAI2 (dynein axonemal intermediate chain 2; plus strand). Cytogenetic location: 17q25.1.
Variant type: Deletion.
Identifiers: ClinVar variation 1071527 (VCV001071527.3).